The following is an entry in ClinVar:

ClinVar aggregate classification (germline): Uncertain significance (1 of 4 stars; one submission).

Submission:

CeGaT Center for Human Genetics Tuebingen
Classification: Uncertain significance. Last evaluated: 2024-11-01. Review status: criteria provided, single submitter. Criteria: CeGaT Center For Human Genetics Tuebingen Variant Classification Criteria Version 2. Collection method: clinical testing. Allele origin: germline. Affected: yes. Observed: 1 variant allele.
Comment: TEX15: PM2

NM_001350162.2(TEX15):c.2186_2187del (p.Val729fs)

Gene: TEX15 (testis expressed 15, meiosis and synapsis associated; minus strand). Cytogenetic location: 8p12.
Variant type: Microsatellite.
Coding change: c.2186_2187del on transcript NM_001350162.2 (MANE Select); coding-DNA positions 2186 to 2187, 2 bases deleted (TG; older notation c.2186_2187delTG).
Protein change: p.Val729fs; shifts the reading frame from valine 729.
Molecular consequence: frameshift variant.
Genome position (GRCh38, 1-based): chr8:30,847,980-30,847,981, CA deleted on the plus strand (TG on the coding strand, the reverse complement: TEX15 is on the minus strand); deleting any 2 consecutive bases within chr8:30,847,980-30,847,983 gives the same sequence; the c. name uses the placement nearest the transcript's 3' end. VCF-style (leftmost placement, unchanged base first): chr8-30847979-CCA-C. GRCh37 (hg19) VCF-style: chr8-30705495-CCA-C.
Other names: short protein forms V729fs.
Identifiers: ClinVar variation 3390244 (VCV003390244.14).